The following is an entry in ClinVar:

ClinVar aggregate classification (germline): Uncertain significance (1 of 4 stars; one submission).

Conditions:
Dextro-looped transposition of the great arteries. Also called: Dextrotransposition of the great arteries. Identifiers: Orphanet 860, MedGen C3531771, MONDO:0019443, OMIM 608808, HP:0031348.

Allele frequency attached by ClinVar (database versions not stated): TOPMed below 0.00001; gnomAD 0.00001; ExAC 0.00002; gnomAD exomes 0.00002.
gnomAD v4.1: 26 of 1,614,088 alleles (0.0016%); highest among the groups gnomAD compares: African/African-American, 0.0027%; no homozygotes.

Submission:

Labcorp Genetics (formerly Invitae), Labcorp
Classification: Uncertain significance for Dextro-looped transposition of the great arteries. Last evaluated: 2023-09-09. Review status: criteria provided, single submitter. Criteria: Invitae Variant Classification Sherloc (09022015). Collection method: clinical testing. Allele origin: germline.
Comment: This sequence change replaces threonine, which is neutral and polar, with methionine, which is neutral and non-polar, at codon 1541 of the MED13L protein (p.Thr1541Met). This variant is present in population databases (rs773553862, gnomAD 0.005%). This variant has not been reported in the literature in individuals affected with MED13L-related conditions. Advanced modeling of protein sequence and biophysical properties (such as structural, functional, and spatial information, amino acid conservation, physicochemical variation, residue mobility, and thermodynamic stability) performed at Invitae indicates that this missense variant is not expected to disrupt MED13L protein function. In summary, the available evidence is currently insufficient to determine the role of this variant in disease. Therefore, it has been classified as a Variant of Uncertain Significance.

NM_015335.5(MED13L):c.4622C>T (p.Thr1541Met)

Gene: MED13L (mediator complex subunit 13L; minus strand). Cytogenetic location: 12q24.21.
Variant type: single nucleotide variant.
Coding change: c.4622C>T on transcript NM_015335.5 (MANE Select); coding-DNA position 4622, C replaced by T.
Protein change: p.Thr1541Met; replaces threonine 1541 with methionine.
Molecular consequence: missense variant.
Genome position (GRCh38, 1-based): chr12:115,983,450, G>A on the plus strand (C>T on the coding strand, the complement: MED13L is on the minus strand). VCF-style: chr12-115983450-G-A. GRCh37 (hg19) VCF-style: chr12-116421255-G-A.
Other names: short protein forms T1541M.
Identifiers: ClinVar variation 2908248 (VCV002908248.3), dbSNP rs773553862, ClinGen allele CA6810763.